The following is an entry in ClinVar:

ClinVar aggregate classification (germline): Uncertain significance (1 of 4 stars; one submission).

Conditions:
Duchenne muscular dystrophy (DMD). Also called: MUSCULAR DYSTROPHY, PSEUDOHYPERTROPHIC PROGRESSIVE, DUCHENNE TYPE; Duchenne Muscular Dystrophy (DMD). Identifiers: Orphanet 98896, MedGen C0013264, MONDO:0010679, OMIM 310200.

Submission:

Labcorp Genetics (formerly Invitae), Labcorp
Classification: Uncertain significance for Duchenne muscular dystrophy. Last evaluated: 2023-07-24. Review status: criteria provided, single submitter. Criteria: Invitae Variant Classification Sherloc (09022015). Collection method: clinical testing. Allele origin: unknown.
Comment: This variant disrupts a region of the DMD protein in which other variant(s) (p.Glu794Gly) have been observed in individuals with DMD-related conditions (PMID: 12233050, 29365344). This suggests that this is a clinically significant region of the protein, and that variants that disrupt it are likely to be disease-causing. In summary, the available evidence is currently insufficient to determine the role of this variant in disease. Therefore, it has been classified as a Variant of Uncertain Significance. A similar copy number variant has been observed in individual(s) with DMD-related conditions (PMID: 17726484). This variant is a gross deletion of the genomic region encompassing exon(s) 20-21 of the DMD gene. This variant would be expected to be in-frame, preserving the integrity of the reading frame.

Literature cited by the submitters: PubMed 12233050; PubMed 29365344; PubMed 17726484.

NC_000023.10:g.(?_32503016)_(32509655_?)del

Gene: DMD (dystrophin; minus strand). Cytogenetic location: Xp21.1.
Variant type: Deletion.
Identifiers: ClinVar variation 3246011 (VCV003246011.1).